The following is an entry in ClinVar:

NM_003000.3(SDHB):c.299C>T (p.Ser100Phe)

Gene: SDHB (succinate dehydrogenase complex iron sulfur subunit B; minus strand). Cytogenetic location: 1p36.13.
Variant type: single nucleotide variant.
Coding change: c.299C>T on transcript NM_003000.3 (MANE Select); coding-DNA position 299, C replaced by T.
Protein change: p.Ser100Phe; replaces serine 100 with phenylalanine.
Molecular consequence: missense variant.
Genome position (GRCh38, 1-based): chr1:17,028,724, G>A on the plus strand (C>T on the coding strand, the complement: SDHB is on the minus strand). VCF-style: chr1-17028724-G-A. GRCh37 (hg19) VCF-style: chr1-17355219-G-A.
Other names: short protein forms S100F.
Identifiers: ClinVar variation 12788 (VCV000012788.12), dbSNP rs121917755, ClinGen allele CA015720.

ClinVar aggregate classification (germline): Conflicting classifications of pathogenicity. Review status: criteria provided, conflicting classifications (1 of 4 stars). 3 submissions from 3 submitters: Likely pathogenic (1); Uncertain significance (1). 1 of the submissions does not count toward it. Last evaluated 2025-05-04.

Conditions:
Pheochromocytoma/paraganglioma syndrome 4. Also called: Paragangliomas 4; CAROTID BODY TUMORS AND MULTIPLE EXTRAADRENAL PHEOCHROMOCYTOMAS; SDHB-Related Hereditary Paraganglioma-Pheochromocytoma Syndrome (Paragangliomas 4); PARAGANGLIOMA, FAMILIAL MALIGNANT; PARAGANGLIOMAS, HEREDITARY EXTRAADRENAL; PHEOCHROMOCYTOMA, FAMILIAL EXTRAADRENAL. Identifiers: Orphanet 29072, MedGen C1861848, MONDO:0007273, OMIM 115310.
Gastrointestinal stromal tumor. Also called: Gastrointestinal stromal tumor, somatic; Gastrointestinal stroma tumor. Identifiers: Orphanet 44890, MedGen C0238198, MeSH D046152, MONDO:0011719, OMIM 606764, HP:0100723.
Pheochromocytoma. Also called: MAX-Related Hereditary Paraganglioma-Pheochromocytoma Syndrome. Identifiers: Orphanet 29072, MedGen C0031511, MONDO:0008233, OMIM 171300, HP:0002666.
Hereditary cancer-predisposing syndrome. Also called: Neoplastic Syndromes, Hereditary; Tumor predisposition; Hereditary neoplastic syndrome; Hereditary Cancer Syndrome. Identifiers: Orphanet 140162, MedGen C0027672, MeSH D009386, MONDO:0015356.

Submissions (3):

Labcorp Genetics (formerly Invitae), Labcorp
Classification: Uncertain significance for Gastrointestinal stromal tumor; Pheochromocytoma/paraganglioma syndrome 4; Pheochromocytoma. Last evaluated: 2025-05-04. Review status: criteria provided, single submitter. Criteria: Invitae Variant Classification Sherloc (09022015). Collection method: clinical testing. Allele origin: germline.
Comment: This sequence change replaces serine, which is neutral and polar, with phenylalanine, which is neutral and non-polar, at codon 100 of the SDHB protein (p.Ser100Phe). This variant is not present in population databases (gnomAD no frequency). This missense change has been observed in individual(s) with SDHB-related conditions (internal data). ClinVar contains an entry for this variant (Variation ID: 12788). Invitae Evidence Modeling of protein sequence and biophysical properties (such as structural, functional, and spatial information, amino acid conservation, physicochemical variation, residue mobility, and thermodynamic stability) indicates that this missense variant is expected to disrupt SDHB protein function with a positive predictive value of 80%. This variant disrupts the p.Ser100 amino acid residue in SDHB. Other variant(s) that disrupt this residue have been observed in individuals with SDHB-related conditions (PMID: 30087776; internal data), which suggests that this may be a clinically significant amino acid residue. In summary, the available evidence is currently insufficient to determine the role of this variant in disease. Therefore, it has been classified as a Variant of Uncertain Significance.

Ambry Genetics
Classification: Likely pathogenic for Hereditary cancer-predisposing syndrome. Last evaluated: 2024-04-26. Review status: criteria provided, single submitter. Criteria: Ambry Variant Classification Scheme 2023. Collection method: clinical testing. Allele origin: germline.
Comment: The c.299C>T (p.S100F) alteration is located in coding exon 4 of the SDHB gene. This alteration results from a C to T substitution at nucleotide position 299, causing the serine (S) at amino acid position 100 to be replaced by a phenylalanine (F). This variant was not reported in population-based cohorts in the Genome Aggregation Database (gnomAD). This variant was detected in an extra-adrenal pheochromocytoma, which showed loss of heterozygosity and loss of SDHB on immunochemistry (van Nederveen, 2007; Korpershoek, 2007). Another alteration at the same codon, c.298T>C (p.S100P), has been detected in multiple individuals with features consistent with SDHB-related paraganglioma-pheochromocytoma syndrome (Pollard, 2005; Yalcintepe, 2021; G&uuml;le&ccedil; Ceylan, 2022). This amino acid position is highly conserved in available vertebrate species. This alteration is predicted to be deleterious by in silico analysis. Based on the available evidence, this alteration is classified as likely pathogenic.

OMIM
Classification: Pathogenic for PHEOCHROMOCYTOMA, SOMATIC. Last evaluated: 2004-01-01. Review status: no assertion criteria provided. Collection method: literature only. Allele origin: somatic. Not counted in ClinVar's aggregate classification.

Literature cited by the submitters: PubMed 30087776 (cited by Labcorp Genetics (formerly Invitae), Labcorp); PubMed 15987702 (cited by Ambry Genetics); PubMed 17634472 (cited by Ambry Genetics); PubMed 17639058 (cited by Ambry Genetics); PubMed 33777662 (cited by Ambry Genetics); PubMed 36288950 (cited by Ambry Genetics); PubMed 14685938 (cited by OMIM).